The following is an entry in ClinVar:

NM_000179.3(MSH6):c.3802-14_3809del

Gene: MSH6 (mutS homolog 6; plus strand). Cytogenetic location: 2p16.3.
Variant type: Deletion.
Coding change: c.3802-14_3809del on transcript NM_000179.3 (MANE Select); 14 bases into the intron before coding-DNA position 3802 through coding-DNA position 3809, 22 bases deleted (TTTTCTTTCTTAAGGCATGCAT).
Molecular consequence: splice acceptor variant. On other transcripts: intron variant (2).
Genome position (GRCh38, 1-based): chr2:47,806,438-47,806,459, TTTTCTTTCTTAAGGCATGCAT deleted; deleting any 22 consecutive bases within chr2:47,806,436-47,806,459 gives the same sequence; the c. name uses the placement nearest the transcript's 3' end. VCF-style (leftmost placement, unchanged base first): chr2-47806435-TATTTTTCTTTCTTAAGGCATGC-T. GRCh37 (hg19) VCF-style: chr2-48033574-TATTTTTCTTTCTTAAGGCATGC-T.
Other names: c.3802-14_3809del (NM_001406809.1, NM_001406796.1, NM_001406808.1); c.2896-14_2903del (NM_001406811.1, NM_001406814.1, NM_001281493.2 and 6 more transcripts); c.3505-14_3512del (NM_001406805.1, NM_001406797.1, NM_001406801.1 and 10 more transcripts); c.3898-14_3905del (NM_001406795.1); c.3897+80_3897+101del (NM_001406802.1); c.3808-14_3815del (NM_001406813.1); c.3277-14_3284del (NM_001406807.1, NM_001406799.1, NM_001406806.1); c.3802-27_3802-6del (NM_001406800.1); and 10 more.
Identifiers: ClinVar variation 2673574 (VCV002673574.5), dbSNP rs2530853505, ClinGen allele CA2586964896.

ClinVar aggregate classification (germline): Likely pathogenic. Review status: criteria provided, multiple submitters, no conflicts (2 of 4 stars). 3 submissions from 3 submitters: Likely pathogenic (3). Last evaluated 2024-06-17.

Conditions:
Hereditary nonpolyposis colorectal neoplasms. Identifiers: MedGen C0009405, MeSH D003123.
Hereditary cancer-predisposing syndrome. Also called: Tumor predisposition; Hereditary neoplastic syndrome; Neoplastic Syndromes, Hereditary; Hereditary Cancer Syndrome. Identifiers: Orphanet 140162, MedGen C0027672, MeSH D009386, MONDO:0015356.
Lynch syndrome 5 (LYNCH5). Also called: Colorectal cancer, hereditary nonpolyposis, type 5; Hereditary non-polyposis colorectal cancer, type 5. Identifiers: Orphanet 144, MedGen C1833477, MONDO:0013710, OMIM 614350. Disease mechanism: loss of function.

Submissions (3):

Ambry Genetics
Classification: Likely pathogenic for Hereditary cancer-predisposing syndrome. Last evaluated: 2024-06-17. Review status: criteria provided, single submitter. Criteria: Ambry Variant Classification Scheme 2023. Collection method: clinical testing. Allele origin: germline.
Comment: The c.3802-14_3809del22 variant results from a deletion of 22 nucleotides between positions 3802-14 and 3809 and involves the canonical splice acceptor site before coding exon 9 of the MSH6 gene. This variant is considered to be rare based on population cohorts in the Genome Aggregation Database (gnomAD). The nucleotide positions at this canonical acceptor site are highly conserved in available vertebrate species. In silico splice site analysis predicts that this alteration will weaken the native splice acceptor site. Alterations that disrupt the canonical splice site are expected to cause aberrant splicing, resulting in an abnormal protein or a transcript that is subject to nonsense-mediated mRNA decay. As such, this alteration is classified as likely pathogenic.

Labcorp Genetics (formerly Invitae), Labcorp
Classification: Likely pathogenic for Hereditary nonpolyposis colorectal neoplasms. Last evaluated: 2024-03-13. Review status: criteria provided, single submitter. Criteria: Invitae Variant Classification Sherloc (09022015). Collection method: clinical testing. Allele origin: germline.
Comment: This variant results in the deletion of part of exon 9 (c.3802-14_3809del) of the MSH6 gene. It is expected to disrupt RNA splicing. Variants that disrupt the donor or acceptor splice site typically lead to a loss of protein function (PMID: 16199547), and loss-of-function variants in MSH6 are known to be pathogenic (PMID: 18269114, 24362816). This variant is not present in population databases (gnomAD no frequency). This variant has been observed in individual(s) with clinical features of Lynch syndrome (PMID: 25980754). In summary, the currently available evidence indicates that the variant is pathogenic, but additional data are needed to prove that conclusively. Therefore, this variant has been classified as Likely Pathogenic.

Myriad Genetics, Inc.
Classification: Likely pathogenic for Lynch syndrome 5. Last evaluated: 2023-08-25. Review status: criteria provided, single submitter. Criteria: Myriad Autosomal Dominant, Autosomal Recessive and X-Linked Classification Criteria (2023). Collection method: clinical testing. Allele origin: unknown.
Comment: This variant is considered likely pathogenic. This variant occurs within a consensus splice junction and is predicted to result in abnormal mRNA splicing of either an out-of-frame exon or an in-frame exon necessary for protein stability and/or normal function.

Literature cited by the submitters: PubMed 16199547 (cited by Labcorp Genetics (formerly Invitae), Labcorp); PubMed 18269114 (cited by Labcorp Genetics (formerly Invitae), Labcorp); PubMed 24362816 (cited by Labcorp Genetics (formerly Invitae), Labcorp); PubMed 25980754 (cited by Labcorp Genetics (formerly Invitae), Labcorp).